The following is an entry in ClinVar:

ClinVar aggregate classification (germline): Likely benign. Review status: criteria provided, single submitter (1 of 4 stars). 2 submissions from 2 submitters: Likely benign (1). 1 of the submissions does not count toward it. Last evaluated 2024-05-13.

Conditions:
SPTBN5-related disorder. Also called: SPTBN5-related condition.

Allele frequency attached by ClinVar (database versions not stated): gnomAD exomes 0.00005; ExAC 0.00022; gnomAD 0.00052; 1000 Genomes Project 30x 0.00062; TOPMed 0.00063; ESP Exome Variant Server 0.00072; 1000 Genomes Project 0.00080.
gnomAD v4.1: 149 of 1,613,492 alleles (0.0092%); highest among the groups gnomAD compares: African/African-American, 0.18%; no homozygotes.

Submissions (2):

Ambry Genetics
Classification: Likely benign. Last evaluated: 2024-05-13. Review status: criteria provided, single submitter. Criteria: Ambry Variant Classification Scheme 2023. Collection method: clinical testing. Allele origin: germline.

PreventionGenetics, part of Exact Sciences
Classification: Likely benign for SPTBN5-related condition. Last evaluated: 2024-01-12. Review status: no assertion criteria provided. Collection method: clinical testing. Allele origin: germline. Not counted in ClinVar's aggregate classification.
Comment: This variant is classified as likely benign based on ACMG/AMP sequence variant interpretation guidelines (Richards et al. 2015 PMID: 25741868, with internal and published modifications).

NM_016642.4(SPTBN5):c.7126G>A (p.Val2376Ile)

Gene: SPTBN5 (spectrin beta, non-erythrocytic 5; minus strand). Cytogenetic location: 15q15.1.
Variant type: single nucleotide variant.
Coding change: c.7126G>A on transcript NM_016642.4 (MANE Select); coding-DNA position 7126, G replaced by A.
Protein change: p.Val2376Ile; replaces valine 2376 with isoleucine.
Molecular consequence: missense variant.
Genome position (GRCh38, 1-based): chr15:41,863,727, C>T on the plus strand (G>A on the coding strand, the complement: SPTBN5 is on the minus strand). VCF-style: chr15-41863727-C-T. GRCh37 (hg19) VCF-style: chr15-42155925-C-T.
Other names: c.7021G>A (NM_016642.2); short protein forms V2376I.
Identifiers: ClinVar variation 3045598 (VCV003045598.3), dbSNP rs200094354, ClinGen allele CA7502356.
Genomic context (GRCh38, chr15:41,863,727, plus strand): 5'-CTCACAGCCCCCACCGGGACCTCTTTCCACCACGTACCTTCTCCTGAATCCTCTTGGTGA[C>T]ATTGTCCAGCTCTCGGGACAACACGTGTATCTCCAAGGCCCCTTCGAGCTGCTGCTGGTA-3'
Protein context (NP_057726.4, residues 2366-2386): IHVLSRELDN[Val2376Ile]TKRIQEKEAL